The following is an entry in ClinVar:

NM_152564.5(VPS13B):c.634C>T (p.Leu212Phe)

Gene: VPS13B (vacuolar protein sorting 13 homolog B; plus strand). Cytogenetic location: 8q22.2.
Variant type: single nucleotide variant.
Coding change: c.634C>T on transcript NM_152564.5 (MANE Select); coding-DNA position 634, C replaced by T.
Protein change: p.Leu212Phe; replaces leucine 212 with phenylalanine.
Molecular consequence: missense variant. On other transcripts: non-coding transcript variant (1).
Genome position (GRCh38, 1-based): chr8:99,111,151, C>T. VCF-style: chr8-99111151-C-T. GRCh37 (hg19) VCF-style: chr8-100123379-C-T.
Other names: p.Leu212Phe; c.634C>T, p.Leu212Phe (NM_015243.3, NM_017890.5, NM_181661.3); short protein forms L212F.
Identifiers: ClinVar variation 2683023 (VCV002683023.1), dbSNP rs2488672090, ClinGen allele CA371860035.

ClinVar aggregate classification (germline): Uncertain significance (1 of 4 stars; one submission).

Submission:

Mayo Clinic Laboratories, Mayo Clinic
Classification: Uncertain significance. Last evaluated: 2023-01-30. Review status: criteria provided, single submitter. Criteria: ACMG Guidelines, 2015. Collection method: clinical testing. Allele origin: germline. Observed: 1 variant allele.
Comment: BP1, PM2_supporting